The following is an entry in ClinVar:

ClinVar aggregate classification (germline): Uncertain significance (1 of 4 stars; one submission).

Conditions:
Myopathy, centronuclear, 2 (CNM2). Also called: MYOTUBULAR MYOPATHY, AUTOSOMAL RECESSIVE. Identifiers: Orphanet 169186, MedGen CN031787, MONDO:0009709, OMIM 255200.

gnomAD v4.1: 2 of 1,614,214 alleles (0.00012%); highest among the groups gnomAD compares: Non-Finnish European, 0.00017%; no homozygotes.

Submission:

Labcorp Genetics (formerly Invitae), Labcorp
Classification: Uncertain significance for Myopathy, centronuclear, 2. Last evaluated: 2023-09-30. Review status: criteria provided, single submitter. Criteria: Invitae Variant Classification Sherloc (09022015). Collection method: clinical testing. Allele origin: germline.
Comment: In summary, the available evidence is currently insufficient to determine the role of this variant in disease. Therefore, it has been classified as a Variant of Uncertain Significance. Advanced modeling of protein sequence and biophysical properties (such as structural, functional, and spatial information, amino acid conservation, physicochemical variation, residue mobility, and thermodynamic stability) performed at Invitae indicates that this missense variant is not expected to disrupt BIN1 protein function. This variant has not been reported in the literature in individuals affected with BIN1-related conditions. This variant is not present in population databases (gnomAD no frequency). This sequence change replaces threonine, which is neutral and polar, with lysine, which is basic and polar, at codon 532 of the BIN1 protein (p.Thr532Lys).

NM_139343.3(BIN1):c.1595C>A (p.Thr532Lys)

Gene: BIN1 (bridging integrator 1; minus strand). Cytogenetic location: 2q14.3.
Variant type: single nucleotide variant.
Coding change: c.1595C>A on transcript NM_139343.3 (MANE Select); coding-DNA position 1595, C replaced by A.
Protein change: p.Thr532Lys; replaces threonine 532 with lysine.
Molecular consequence: missense variant.
Genome position (GRCh38, 1-based): chr2:127,050,500, G>T on the plus strand (C>A on the coding strand, the complement: BIN1 is on the minus strand). VCF-style: chr2-127050500-G-T. GRCh37 (hg19) VCF-style: chr2-127808076-G-T.
Other names: c.1355C>A, p.Thr452Lys (NM_001320640.2); c.1502C>A, p.Thr501Lys (NM_001320641.2); c.1514C>A, p.Thr505Lys (NM_001320642.1); c.1178C>A, p.Thr393Lys (NM_004305.4); c.1466C>A, p.Thr489Lys (NM_139344.3); c.1334C>A, p.Thr445Lys (NM_139345.3); c.1307C>A, p.Thr436Lys (NM_139346.3); c.1370C>A, p.Thr457Lys (NM_139347.3); and 7 more; short protein forms T393K, T445K, T457K, T489K, T324K, T452K, T348K, T378K.
Identifiers: ClinVar variation 2730439 (VCV002730439.3), dbSNP rs112318500, ClinGen allele CA348374221.